The following is an entry in ClinVar:

NM_212482.4(FN1):c.6581C>T (p.Pro2194Leu)

Gene: FN1 (fibronectin 1; minus strand). Cytogenetic location: 2q35.
Variant type: single nucleotide variant.
Coding change: c.6581C>T on transcript NM_212482.4 (MANE Select); coding-DNA position 6581, C replaced by T.
Protein change: p.Pro2194Leu; replaces proline 2194 with leucine.
Molecular consequence: missense variant. On other transcripts: intron variant (10).
Genome position (GRCh38, 1-based): chr2:215,372,042, G>A on the plus strand (C>T on the coding strand, the complement: FN1 is on the minus strand). VCF-style: chr2-215372042-G-A. GRCh37 (hg19) VCF-style: chr2-216236765-G-A.
Other names: c.6311C>T, p.Pro2104Leu (NM_001365517.2); c.6308C>T, p.Pro2103Leu (NM_001365518.2); c.6236C>T, p.Pro2079Leu (NM_001365519.2); c.6233C>T, p.Pro2078Leu (NM_001365520.2); c.5963C>T, p.Pro1988Leu (NM_001365523.2); c.6038C>T, p.Pro2013Leu (NM_212476.3); c.5705-27C>T (NM_212474.3); c.5897-27C>T (NM_001306132.2); and 8 more; short protein forms P2078L, P2079L, P1988L, P2104L, P2194L, P2013L, P2103L.
Identifiers: ClinVar variation 2605782 (VCV002605782.6), dbSNP rs576918048, ClinGen allele CA2093815.
Genomic context (GRCh38, chr2:215,372,042, plus strand): 5'-CATGAGATGGTTGTCTGAGAGAGAGCTTCTTGTCCTGTAGAGGCATTTGGATTGAGTCCC[G>A]GACCGTGTGGGTACAGGTGATAGTCTACATCTTCCCTGGGGATGTGACCAATTTGGATTT-3'
Protein context (NP_997647.2, residues 2184-2204): DVDYHLYPHG[Pro2194Leu]GLNPNASTGQ

ClinVar aggregate classification (germline): Conflicting classifications of pathogenicity. Review status: criteria provided, conflicting classifications (1 of 4 stars). 3 submissions from 3 submitters: Uncertain significance (2); Likely benign (1). Last evaluated 2024-12-23.

Conditions:
Glomerulopathy with fibronectin deposits 2 (GFND2). Identifiers: Orphanet 84090, MedGen C1866075, MONDO:0011165, OMIM 601894.
Spondylometaphyseal dysplasia - Sutcliffe type. Also called: Spondylometaphyseal Dysplasia, Corner Fracture Type; Spondylometaphyseal dysplasia, 'corner fracture' type; Sutcliffe type of spondylometaphyseal dysplasia; Sutcliffe SMD. Identifiers: Orphanet 93315, MedGen C0432221, MONDO:0008479, OMIM 184255.
Inborn genetic diseases. Identifiers: MedGen C0950123, MeSH D030342.

Allele frequency attached by ClinVar (database versions not stated): gnomAD exomes 0.00002; 1000 Genomes Project 30x 0.00031; 1000 Genomes Project 0.00040.
gnomAD v4.1: 35 of 1,614,158 alleles (0.0022%); highest among the groups gnomAD compares: South Asian, 0.011%; no homozygotes.

Submissions (3):

Labcorp Genetics (formerly Invitae), Labcorp
Classification: Uncertain significance. Last evaluated: 2024-12-23. Review status: criteria provided, single submitter. Criteria: Invitae Variant Classification Sherloc (09022015). Collection method: clinical testing. Allele origin: germline.
Comment: This sequence change replaces proline, which is neutral and non-polar, with leucine, which is neutral and non-polar, at codon 2194 of the FN1 protein (p.Pro2194Leu). This variant is present in population databases (rs576918048, gnomAD 0.02%). This variant has not been reported in the literature in individuals affected with FN1-related conditions. ClinVar contains an entry for this variant (Variation ID: 2605782). An algorithm developed to predict the effect of missense changes on protein structure and function outputs the following: PolyPhen-2: "Benign". The leucine amino acid residue is found in multiple mammalian species, which suggests that this missense change does not adversely affect protein function. In summary, the available evidence is currently insufficient to determine the role of this variant in disease. Therefore, it has been classified as a Variant of Uncertain Significance.

Fulgent Genetics
Classification: Uncertain significance for Spondylometaphyseal dysplasia - Sutcliffe type; Glomerulopathy with fibronectin deposits 2. Last evaluated: 2024-01-16. Review status: criteria provided, single submitter. Criteria: ACMG Guidelines, 2015. Collection method: clinical testing. Allele origin: germline.

Ambry Genetics
Classification: Likely benign for Inborn genetic diseases. Last evaluated: 2023-06-22. Review status: criteria provided, single submitter. Criteria: Ambry Variant Classification Scheme 2023. Collection method: clinical testing. Allele origin: germline.